The following is an entry in ClinVar:

ClinVar aggregate classification (germline): Pathogenic. Review status: criteria provided, multiple submitters, no conflicts (2 of 4 stars). 3 submissions from 3 submitters: Pathogenic (3). Last evaluated 2025-06-27.

Conditions:
Nephrotic syndrome 14. Also called: Sphingosine Phosphate Lyase Insufficiency Syndrome; RENI SYNDROME; RENAL, ENDOCRINE, NEUROLOGIC, AND IMMUNE SYNDROME. Identifiers: Orphanet 506334, MedGen C4540559, MONDO:0033203, OMIM 617575.

Allele frequency attached by ClinVar (database versions not stated): ExAC 0.00001; gnomAD 0.00001; gnomAD exomes 0.00001; TOPMed 0.00001; ESP Exome Variant Server 0.00008.
gnomAD v4.1: 14 of 1,612,318 alleles (0.00087%); highest among the groups gnomAD compares: Admixed American, 0.0017%; no homozygotes.

Submissions (3):

Labcorp Genetics (formerly Invitae), Labcorp
Classification: Pathogenic. Last evaluated: 2025-06-27. Review status: criteria provided, single submitter. Criteria: Invitae Variant Classification Sherloc (09022015). Collection method: clinical testing. Allele origin: germline.
Comment: This sequence change creates a premature translational stop signal (p.Arg495*) in the SGPL1 gene. It is expected to result in an absent or disrupted protein product. Loss-of-function variants in SGPL1 are known to be pathogenic (PMID: 28165339, 28165343). This variant is present in population databases (rs374024951, gnomAD 0.004%). This variant has not been reported in the literature in individuals affected with SGPL1-related conditions. ClinVar contains an entry for this variant (Variation ID: 1173092). For these reasons, this variant has been classified as Pathogenic.

Diagnostics Services (NGS), CSIR - Centre For Cellular And Molecular Biology
Classification: Pathogenic for Nephrotic syndrome 14. Last evaluated: 2021-02-08. Review status: criteria provided, single submitter. Criteria: ACMG Guidelines, 2015. Collection method: clinical testing. Allele origin: unknown. Inheritance: Autosomal recessive inheritance. Affected: no. Observed: 2 variant alleles, 2 heterozygotes.
Comment: The c.1483C>T variant is not present in publicly available population databases like 1000 Genomes. The heterozygous state of the variant is present inExome Variant Server (EVS), Exome Aggregation Consortium (ExAC), Genome Aggregation Database (gnomAD) and dbSNP at a very low frequency. The variant is not present in Indian Exome Database [Kausthubham et al. Hum Mutat, 2021] or in our in-house exome database. The variant has not been previously reported to ClinVar, Human Genome Mutation Database (HGMD) or OMIM databases. In-silico pathogenicity prediction programs like MutationTaster2, CADD, Varsome etc. predicted this variant to be likely deleterious.

Suma Genomics
Classification: Pathogenic for Nephrotic syndrome 14. Review status: criteria provided, single submitter. Criteria: ACMG Guidelines, 2015. Collection method: clinical testing. Allele origin: germline. Inheritance: Autosomal recessive inheritance. Affected: yes. Observed: 1 homozygote.
Comment: Stop-gain variant c.1483C>T, p.(Arg495Ter) is observed in exon 14 of SGPL1 in homozygous state. This variant is observed in 11 individuals in the gnomAD database in heterozygous state. ACMG classification: Pathogenic Criteria met: PVS1, PM2_Supporting and PP5

Literature cited by the submitters: PubMed 28165339 (cited by Labcorp Genetics (formerly Invitae), Labcorp); PubMed 28165343 (cited by Labcorp Genetics (formerly Invitae), Labcorp).

NM_003901.4(SGPL1):c.1483C>T (p.Arg495Ter)

Gene: SGPL1 (sphingosine-1-phosphate lyase 1; plus strand). Cytogenetic location: 10q22.1.
Variant type: single nucleotide variant.
Coding change: c.1483C>T on transcript NM_003901.4 (MANE Select); coding-DNA position 1483, C replaced by T.
Protein change: p.Arg495Ter; replaces arginine 495 with a stop codon.
Molecular consequence: nonsense.
Genome position (GRCh38, 1-based): chr10:70,876,578, C>T. VCF-style: chr10-70876578-C-T. GRCh37 (hg19) VCF-style: chr10-72636335-C-T.
Other names: short protein forms R495*.
Identifiers: ClinVar variation 1173092 (VCV001173092.8), dbSNP rs374024951, ClinGen allele CA5541493.